The following is an entry in ClinVar:

NM_017841.4(SDHAF2):c.358T>C (p.Tyr120His)

Gene: SDHAF2 (succinate dehydrogenase complex assembly factor 2; plus strand). Cytogenetic location: 11q12.2.
Variant type: single nucleotide variant.
Coding change: c.358T>C on transcript NM_017841.4 (MANE Select); coding-DNA position 358, T replaced by C.
Protein change: p.Tyr120His; replaces tyrosine 120 with histidine.
Molecular consequence: missense variant.
Genome position (GRCh38, 1-based): chr11:61,438,101, T>C. VCF-style: chr11-61438101-T-C. GRCh37 (hg19) VCF-style: chr11-61205573-T-C.
Other names: short protein forms Y120H.
Identifiers: ClinVar variation 3438736 (VCV003438736.1).
Genomic context (GRCh38, chr11:61,438,101, plus strand): 5'-AAGCAGCTGAACCTCTATGACCGCCTGATTAACGAGCCTAGTAATGACTGGGATATTTAC[T>C]ACTGGGCCACAGGTACTGGGTATGATAAGCAGCATAATGTGAAAATAGGACAGTTTAGGC-3'
Protein context (NP_060311.1, residues 110-130): NEPSNDWDIY[Tyr120His]WATEAKPAPE

ClinVar aggregate classification (germline): Uncertain significance (1 of 4 stars; one submission).

Conditions:
Hereditary cancer-predisposing syndrome. Also called: Tumor predisposition; Neoplastic Syndromes, Hereditary; Hereditary neoplastic syndrome; Hereditary Cancer Syndrome. Identifiers: Orphanet 140162, MedGen C0027672, MeSH D009386, MONDO:0015356.

Submission:

Ambry Genetics
Classification: Uncertain significance for Hereditary cancer-predisposing syndrome. Last evaluated: 2024-09-30. Review status: criteria provided, single submitter. Criteria: Ambry Variant Classification Scheme 2023. Collection method: clinical testing. Allele origin: germline.
Comment: The p.Y120H variant (also known as c.358T>C), located in coding exon 3 of the SDHAF2 gene, results from a T to C substitution at nucleotide position 358. The tyrosine at codon 120 is replaced by histidine, an amino acid with similar properties. This amino acid position is conserved. In addition, the in silico prediction for this alteration is inconclusive. Based on the available evidence, the clinical significance of this variant remains unclear.